The following is an entry in ClinVar:

ClinVar aggregate classification (germline): Likely pathogenic (1 of 4 stars; one submission).

Conditions:
Primary ciliary dyskinesia 3. Identifiers: Orphanet 244, MedGen C1837618, MONDO:0012085, OMIM 608644.

Submission:

Myriad Genetics, Inc.
Classification: Likely pathogenic for Primary ciliary dyskinesia 3. Last evaluated: 2022-03-02. Review status: criteria provided, single submitter. Criteria: Myriad Women's Health Autosomal Recessive and X-Linked Classification Criteria (2021). Collection method: clinical testing. Allele origin: unknown.
Comment: NM_001369.2(DNAH5):c.4743_4744ins17(I1582Sfs*6) is expected to be pathogenic in the context of DNAH5-related primary ciliary dyskinesia. This variant is predicted to lead to an abnormal or absent protein product due to the creation of a premature termination codon in DNAH5, a gene where loss-of-function variants are known to be pathogenic. Please note: this variant was assessed in the context of healthy population screening.

NM_001369.3(DNAH5):c.4743_4744insTCTTATACACATCTGTG (p.Ile1582delinsSerTyrThrHisLeuTer)

Genes: DNAH5 (dynein axonemal heavy chain 5; minus strand), DNAH5-AS1 (DNAH5 antisense RNA 1; plus strand). Cytogenetic location: 5p15.2.
Variant type: Insertion.
Coding change: c.4743_4744insTCTTATACACATCTGTG on transcript NM_001369.3 (MANE Select); coding-DNA positions 4743 to 4744, TCTTATACACATCTGTG inserted.
Protein change: p.Ile1582delinsSerTyrThrHisLeuTer.
Molecular consequence: nonsense.
Genome position: GRCh38 VCF-style: chr5-13862600-T-TCACAGATGTGTATAAGA. GRCh37 (hg19) VCF-style: chr5-13862709-T-TCACAGATGTGTATAAGA.
Identifiers: ClinVar variation 1724923 (VCV001724923.2), dbSNP rs2546973414, ClinGen allele CA2580072069.